The following is an entry in ClinVar:

NM_001369268.1(ACAN):c.1192A>T (p.Ile398Phe)

Gene: ACAN (aggrecan; plus strand). Cytogenetic location: 15q26.1.
Variant type: single nucleotide variant.
Coding change: c.1192A>T on transcript NM_001369268.1 (MANE Select); coding-DNA position 1192, A replaced by T.
Protein change: p.Ile398Phe; replaces isoleucine 398 with phenylalanine.
Molecular consequence: missense variant.
Genome position (GRCh38, 1-based): chr15:88,845,645, A>T. VCF-style: chr15-88845645-A-T. GRCh37 (hg19) VCF-style: chr15-89388876-A-T.
Other names: c.1192A>T, p.Ile398Phe (NM_001135.4, NM_013227.4); short protein forms I398F.
Identifiers: ClinVar variation 1367558 (VCV001367558.7), dbSNP rs2141581986, ClinGen allele CA393709560.

ClinVar aggregate classification (germline): Uncertain significance (1 of 4 stars; one submission).

Submission:

Labcorp Genetics (formerly Invitae), Labcorp
Classification: Uncertain significance. Last evaluated: 2021-01-29. Review status: criteria provided, single submitter. Criteria: Invitae Variant Classification Sherloc (09022015). Collection method: clinical testing. Allele origin: germline.
Comment: This sequence change replaces isoleucine with phenylalanine at codon 398 of the ACAN protein (p.Ile398Phe). The isoleucine residue is highly conserved and there is a small physicochemical difference between isoleucine and phenylalanine. This variant is not present in population databases (ExAC no frequency). This variant has not been reported in the literature in individuals with ACAN-related conditions. Algorithms developed to predict the effect of missense changes on protein structure and function are either unavailable or do not agree on the potential impact of this missense change (SIFT: "Deleterious"; PolyPhen-2: "Not Available"; Align-GVGD: "Class C15"). In summary, the available evidence is currently insufficient to determine the role of this variant in disease. Therefore, it has been classified as a Variant of Uncertain Significance.